The following is an entry in ClinVar:

ClinVar aggregate classification (germline): Pathogenic. Review status: reviewed by expert panel (3 of 4 stars). 2 submissions from 2 submitters: Pathogenic (1). 1 of the submissions does not count toward it. Last evaluated 2016-10-18.

Conditions:
Hereditary breast ovarian cancer syndrome. Also called: Hereditary breast and ovarian cancer syndrome (HBOC); Breast and ovarian cancer; Hereditary breast and ovarian cancer syndrome; Hereditary breast and ovarian cancer; BRCA1- and BRCA2-Associated Hereditary Breast and Ovarian Cancer; Hereditary breast and/or ovarian cancer syndrome. Identifiers: Orphanet 145, MedGen C0677776, MeSH D061325, MONDO:0003582. Disease mechanism: loss of function.
Breast-ovarian cancer, familial, susceptibility to, 1 (BROVCA1). Also called: BRCA1 Hereditary Breast and Ovarian Cancer; OVARIAN CANCER, SUSCEPTIBILITY TO. Identifiers: Orphanet 145, MedGen C2676676, MONDO:0011450, OMIM 604370. Disease mechanism: loss of function.

Submissions (2):

Evidence-based Network for the Interpretation of Germline Mutant Alleles (ENIGMA)
Classification: Pathogenic for Breast-ovarian cancer, familial, susceptibility to, 1. Last evaluated: 2016-10-18. Review status: reviewed by expert panel. Criteria: ENIGMA BRCA1/2 Classification Criteria (2015). Collection method: curation. Allele origin: germline.
Comment: Variant allele predicted to encode a truncated non-functional protein.

Research Molecular Genetics Laboratory, Women's College Hospital, University of Toronto
Classification: Pathogenic for Hereditary breast ovarian cancer syndrome. Last evaluated: 2014-01-31. Review status: no assertion criteria provided. Collection method: research. Allele origin: germline. Affected: yes. Study: The Canadian Open Genetics Repository (COGR). Not counted in ClinVar's aggregate classification.

NM_007294.4(BRCA1):c.3512del (p.Lys1171fs)

Genes: BRCA1 (BRCA1 DNA repair associated; minus strand), LOC126862571 (BRD4-independent group 4 enhancer GRCh37_chr17:41243136-41244335; plus strand). Cytogenetic location: 17q21.31.
Variant type: Deletion.
Coding change: c.3512del on transcript NM_007294.4 (MANE Select); coding-DNA position 3512, one base deleted (A; older notation c.3512delA).
Protein change: p.Lys1171fs; shifts the reading frame from lysine 1171.
Molecular consequence: frameshift variant. On other transcripts: intron variant (135).
Genome position (GRCh38, 1-based): chr17:43,092,019, T deleted on the plus strand (A on the coding strand, the reverse complement: BRCA1 is on the minus strand); the first of 2 consecutive T bases (chr17:43,092,019-43,092,020); deleting either gives the same sequence. VCF-style (leftmost placement, unchanged base first): chr17-43092018-CT-C. GRCh37 (hg19) VCF-style: chr17-41244035-CT-C.
Other names: 3631delA; c.3512delA (NM_007294.3); c.3299del, p.Lys1100fs (NM_001407571.1, NM_001407853.1, NM_001407894.1 and 9 more transcripts); c.3512del, p.Lys1171fs (NM_001407581.1, NM_001407582.1, NM_001407583.1 and 30 more transcripts); c.3509del, p.Lys1170fs (NM_001407587.1, NM_001407590.1, NM_001407591.1 and 22 more transcripts); c.3503del, p.Lys1168fs (NM_001407646.1, NM_001407647.1); c.3389del, p.Lys1130fs (NM_001407648.1, NM_001407664.1, NM_001407665.1 and 19 more transcripts); c.3386del, p.Lys1129fs (NM_001407649.1, NM_001407670.1, NM_001407671.1 and 11 more transcripts); and 43 more; short protein forms K1171fs, K1124fs, K1043fs, K1060fs, K1100fs, K1129fs, K1144fs, K1082fs.
Identifiers: ClinVar variation 266380 (VCV000266380.4), dbSNP rs886040139, ClinGen allele CA10589743.